The following is an entry in ClinVar:

ClinVar aggregate classification (germline): Conflicting classifications of pathogenicity. Review status: criteria provided, conflicting classifications (1 of 4 stars). 7 submissions from 7 submitters: Uncertain significance (5); Likely benign (1). 1 of the submissions does not count toward it. Last evaluated 2026-01-13.

Conditions:
Hereditary cancer-predisposing syndrome. Also called: Tumor predisposition; Hereditary Cancer Syndrome; Neoplastic Syndromes, Hereditary; Hereditary neoplastic syndrome. Identifiers: Orphanet 140162, MedGen C0027672, MeSH D009386, MONDO:0015356.
Hereditary breast ovarian cancer syndrome. Also called: Breast and ovarian cancer; Hereditary breast and ovarian cancer; Hereditary breast and ovarian cancer syndrome; BRCA1- and BRCA2-Associated Hereditary Breast and Ovarian Cancer; Hereditary breast and ovarian cancer syndrome (HBOC); Hereditary breast and/or ovarian cancer syndrome. Identifiers: Orphanet 145, MedGen C0677776, MeSH D061325, MONDO:0003582. Disease mechanism: loss of function.
Familial cancer of breast. Also called: BREAST CANCER, FAMILIAL; hereditary breast carcinoma; Hereditary breast cancer. Identifiers: Orphanet 227535, MedGen C0346153, MONDO:0016419, OMIM 114480. Disease mechanism: loss of function.
Breast-ovarian cancer, familial, susceptibility to, 2 (BROVCA2). Also called: BRCA2 Hereditary Breast and Ovarian Cancer. Identifiers: Orphanet 145, MedGen C2675520, MONDO:0012933, OMIM 612555. Disease mechanism: loss of function.

Allele frequency attached by ClinVar (database versions not stated): gnomAD exomes below 0.00001; TOPMed below 0.00001; gnomAD 0.00001.
gnomAD v4.1: 2 of 1,613,576 alleles (0.00012%); highest among the groups gnomAD compares: Non-Finnish European, 0.00017%; no homozygotes.

Submissions (7):

Labcorp Genetics (formerly Invitae), Labcorp
Classification: Likely benign for Hereditary breast ovarian cancer syndrome. Last evaluated: 2026-01-13. Review status: criteria provided, single submitter. Criteria: Invitae Variant Classification Sherloc (09022015). Collection method: clinical testing. Allele origin: germline.

Ambry Genetics
Classification: Uncertain significance for Hereditary cancer-predisposing syndrome. Last evaluated: 2024-10-14. Review status: criteria provided, single submitter. Criteria: Ambry Variant Classification Scheme 2023. Collection method: clinical testing. Allele origin: germline.
Comment: The p.P78S variant (also known as c.232C>T), located in coding exon 2 of the BRCA2 gene, results from a C to T substitution at nucleotide position 232. The proline at codon 78 is replaced by serine, an amino acid with similar properties. This amino acid position is highly conserved in available vertebrate species. In addition, the in silico prediction for this alteration is inconclusive. Based on the available evidence, the clinical significance of this variant remains unclear.

Color Diagnostics, LLC DBA Color Health
Classification: Uncertain significance for Hereditary cancer-predisposing syndrome. Last evaluated: 2024-09-05. Review status: criteria provided, single submitter. Criteria: ACMG Guidelines, 2015. Collection method: clinical testing. Allele origin: germline.
Comment: This missense variant replaces proline with serine at codon 78 of the BRCA2 protein. Computational prediction suggests that this variant may have deleterious impact on protein structure and function. To our knowledge, functional studies have not been reported for this variant. This variant has been detected in a breast cancer case-control meta-analysis in 0/60466 cases and 1/53461 unaffected individuals (PMID: 33471991; Leiden Open Variation Database DB-ID BRCA2_007694). This variant has not been identified in the general population by the Genome Aggregation Database (gnomAD). The available evidence is insufficient to determine the role of this variant in disease conclusively. Therefore, this variant is classified as a Variant of Uncertain Significance.

Baylor Genetics
Classification: Uncertain significance for Familial cancer of breast. Last evaluated: 2023-07-23. Review status: criteria provided, single submitter. Criteria: ACMG Guidelines, 2015. Collection method: clinical testing. Allele origin: unknown.

All of Us Research Program, National Institutes of Health
Classification: Uncertain significance for Breast-ovarian cancer, familial, susceptibility to, 2. Last evaluated: 2023-03-23. Review status: criteria provided, single submitter. Criteria: ACMG Guidelines, 2015. Collection method: clinical testing. Allele origin: germline. Inheritance: Autosomal dominant inheritance. Observed: 1 variant allele, 1 heterozygote.
Comment: This missense variant replaces proline with serine at codon 78 of the BRCA2 protein. Computational prediction suggests that this variant may have deleterious impact on protein structure and function (internally defined REVEL score threshold >= 0.7, PMID: 27666373). To our knowledge, functional studies have not been reported for this variant. This variant has not been reported in individuals affected with hereditary cancer in the literature. This variant has not been identified in the general population by the Genome Aggregation Database (gnomAD). The available evidence is insufficient to determine the role of this variant in disease conclusively. Therefore, this variant is classified as a Variant of Uncertain Significance.

This study involves interpretation of variants in research participants for the purpose of population health screening. Participant phenotype was not available at the time of variant classification. Additional details can be found in publication PMID: 35346344, PMCID: PMC8962531

St. Jude Molecular Pathology, St. Jude Children's Research Hospital
Classification: Uncertain significance for Hereditary breast ovarian cancer syndrome. Last evaluated: 2021-08-04. Review status: criteria provided, single submitter. Criteria: St. Jude Assertion Criteria 2020. Collection method: clinical testing. Allele origin: germline.

Sharing Clinical Reports Project (SCRP)
Classification: Likely benign for Breast-ovarian cancer, familial 2. Last evaluated: 2012-05-30. Review status: no assertion criteria provided. Collection method: clinical testing. Allele origin: germline. Not counted in ClinVar's aggregate classification.

Literature cited by the submitters: PubMed 35727495 (cited by Ambry Genetics); PubMed 33471991 (cited by Color Diagnostics, LLC DBA Color Health).

NM_000059.4(BRCA2):c.232C>T (p.Pro78Ser)

Gene: BRCA2 (BRCA2 DNA repair associated; plus strand). Cytogenetic location: 13q13.1.
Variant type: single nucleotide variant.
Coding change: c.232C>T on transcript NM_000059.4 (MANE Select); coding-DNA position 232, C replaced by T.
Protein change: p.Pro78Ser; replaces proline 78 with serine.
Molecular consequence: missense variant.
Genome position (GRCh38, 1-based): chr13:32,319,241, C>T. VCF-style: chr13-32319241-C-T. GRCh37 (hg19) VCF-style: chr13-32893378-C-T.
Other names: 460C>T; short protein forms P78S.
Identifiers: ClinVar variation 91774 (VCV000091774.26), dbSNP rs398122745, ClinGen allele CA014957.